The following is an entry in ClinVar:

NM_020832.3(ZNF687):c.2815C>T (p.Arg939Cys)

Gene: ZNF687 (zinc finger protein 687; plus strand). Cytogenetic location: 1q21.3.
Variant type: single nucleotide variant.
Coding change: c.2815C>T on transcript NM_020832.3 (MANE Select); coding-DNA position 2815, C replaced by T.
Protein change: p.Arg939Cys; replaces arginine 939 with cysteine.
Molecular consequence: missense variant.
Genome position (GRCh38, 1-based): chr1:151,289,858, C>T. VCF-style: chr1-151289858-C-T. GRCh37 (hg19) VCF-style: chr1-151262334-C-T.
Other names: c.2815C>T, p.Arg939Cys (NM_001304763.2, NM_001304764.2); short protein forms R939C.
Identifiers: ClinVar variation 2039287 (VCV002039287.5), dbSNP rs754419008, ClinGen allele CA1088648.

ClinVar aggregate classification (germline): Uncertain significance. Review status: criteria provided, multiple submitters, no conflicts (2 of 4 stars). 2 submissions from 2 submitters: Uncertain significance (2). Last evaluated 2026-02-10.

Allele frequency attached by ClinVar (database versions not stated): 1000 Genomes Project 30x 0.00047.
gnomAD v4.1: 283 of 1,567,598 alleles (0.018%); highest among the groups gnomAD compares: Middle Eastern, 0.18%; 1 homozygote.

Submissions (2):

Women's Health and Genetics/Laboratory Corporation of America, LabCorp
Classification: Uncertain significance. Last evaluated: 2026-02-10. Review status: criteria provided, single submitter. Criteria: LabCorp Variant Classification Summary - May 2015. Collection method: clinical testing. Allele origin: germline.
Comment: Variant summary: ZNF687 c.2815C>T (p.Arg939Cys) results in a non-conservative amino acid change in the encoded protein sequence. Algorithms developed to predict the effect of missense changes on protein structure and function are either unavailable or do not agree on the potential impact of this missense change. The variant allele was found at a frequency of 0.00021 in 175098 control chromosomes in the gnomAD database, including one homozygote. This frequency is not significantly higher than estimated for disease-causing variants in ZNF687, allowing no conclusion about variant significance. c.2815C>T has been observed in one individual affected with Paget Disease Of Bone (Huybrechts_2023). The report does not provide unequivocal conclusions about association of the variant with Paget Disease Of Bone 6. To our knowledge, no experimental evidence demonstrating an impact on protein function has been reported. The following publication have been ascertained in the context of this evaluation (PMID: 37728743). ClinVar contains an entry for this variant (Variation ID: 2039287). Based on the evidence outlined above, the variant was classified as uncertain significance.

Labcorp Genetics (formerly Invitae), Labcorp
Classification: Uncertain significance. Last evaluated: 2026-01-23. Review status: criteria provided, single submitter. Criteria: Invitae Variant Classification Sherloc (09022015). Collection method: clinical testing. Allele origin: germline.
Comment: This sequence change replaces arginine, which is basic and polar, with cysteine, which is neutral and slightly polar, at codon 939 of the ZNF687 protein (p.Arg939Cys). This variant is present in population databases (rs754419008, gnomAD 0.03%). This missense change has been observed in individual(s) with Paget’s disease of bone (PMID: 37728743). ClinVar contains an entry for this variant (Variation ID: 2039287). An algorithm developed to predict the effect of missense changes on protein structure and function outputs the following: PolyPhen-2: "Benign". The cysteine amino acid residue is found in multiple mammalian species, which suggests that this missense change does not adversely affect protein function. In summary, the available evidence is currently insufficient to determine the role of this variant in disease. Therefore, it has been classified as a Variant of Uncertain Significance.

Literature cited by the submitters: PubMed 37728743 (cited by Women's Health and Genetics/Laboratory Corporation of America, LabCorp and Labcorp Genetics (formerly Invitae), Labcorp).